The following is an entry in ClinVar:

NM_177987.3(TUBB8):c.242T>G (p.Phe81Cys)

Gene: TUBB8 (tubulin beta 8 class VIII; minus strand). Cytogenetic location: 10p15.3.
Variant type: single nucleotide variant.
Coding change: c.242T>G on transcript NM_177987.3 (MANE Select); coding-DNA position 242, T replaced by G.
Protein change: p.Phe81Cys; replaces phenylalanine 81 with cysteine.
Molecular consequence: missense variant.
Genome position (GRCh38, 1-based): chr10:48,650, A>C on the plus strand (T>G on the coding strand, the complement: TUBB8 is on the minus strand). VCF-style: chr10-48650-A-C. GRCh37 (hg19) VCF-style: chr10-94590-A-C.
Other names: c.26T>G, p.Phe9Cys (NM_001389618.1, NM_001389619.1); short protein forms F81C, F9C.
Identifiers: ClinVar variation 5019624 (VCV005019624.2).

ClinVar aggregate classification (germline): Uncertain significance (1 of 4 stars; one submission).

Conditions:
Oocyte maturation defect 2 (OZEMA2). Also called: OOCYTE/ZYGOTE/EMBRYO MATURATION ARREST 2. Identifiers: MedGen C4225210, MONDO:0021573, OMIM 616780.

Submission:

Juno Genomics, Hangzhou Juno Genomics, Inc
Classification: Uncertain significance for Oocyte maturation defect 2. Review status: criteria provided, single submitter. Criteria: ACMG Guidelines, 2015. Collection method: clinical testing. Allele origin: germline.
Comment: Absent from controls (or at extremely low frequency if recessive) in Genome Aggregation Database.;Multiple lines of computational evidence suggest no impact on gene or gene product.;Missense variant in a gene that has a low rate of benign missense variation.